The following is an entry in ClinVar:

NM_181332.3(NLGN4X):c.851T>C (p.Leu284Pro)

Gene: NLGN4X (neuroligin 4 X-linked; minus strand). Cytogenetic location: Xp22.32.
Variant type: single nucleotide variant.
Coding change: c.851T>C on transcript NM_181332.3 (MANE Select); coding-DNA position 851, T replaced by C.
Protein change: p.Leu284Pro; replaces leucine 284 with proline.
Molecular consequence: missense variant.
Genome position (GRCh38, 1-based): chrX:5,903,827, A>G on the plus strand (T>C on the coding strand, the complement: NLGN4X is on the minus strand). VCF-style: chrX-5903827-A-G. GRCh37 (hg19) VCF-style: chrX-5821868-A-G.
Other names: c.851T>C, p.Leu284Pro (NM_001282145.2, NM_001282146.2, NM_020742.4); short protein forms L284P.
Identifiers: ClinVar variation 3253434 (VCV003253434.1), dbSNP rs2518450348.

ClinVar aggregate classification (germline): Uncertain significance (1 of 4 stars; one submission).

Submission:

GeneDx
Classification: Uncertain significance. Last evaluated: 2023-12-15. Review status: criteria provided, single submitter. Criteria: GeneDx Variant Classification Process June 2021. Collection method: clinical testing. Allele origin: germline. Affected: yes.
Comment: Has not been previously published as pathogenic or benign to our knowledge; Not observed at significant frequency in large population cohorts (gnomAD); In silico analysis supports that this missense variant has a deleterious effect on protein structure/function